The following is an entry in ClinVar:

ClinVar aggregate classification (germline): Uncertain significance (1 of 4 stars; one submission).

Conditions:
Early-infantile DEE. Also called: Early infantile epileptic encephalopathy; Ohtahara syndrome; Early infantile epileptic encephalopathy with suppression bursts. Identifiers: Orphanet 1934, MedGen C0393706, MONDO:0800491.

Submission:

Labcorp Genetics (formerly Invitae), Labcorp
Classification: Uncertain significance for Early-infantile DEE. Last evaluated: 2024-03-01. Review status: criteria provided, single submitter. Criteria: Invitae Variant Classification Sherloc (09022015). Collection method: clinical testing. Allele origin: germline.
Comment: This sequence change replaces tyrosine, which is neutral and polar, with histidine, which is basic and polar, at codon 827 of the SCN1A protein (p.Tyr827His). This variant is not present in population databases (gnomAD no frequency). This variant has not been reported in the literature in individuals affected with SCN1A-related conditions. Advanced modeling of protein sequence and biophysical properties (such as structural, functional, and spatial information, amino acid conservation, physicochemical variation, residue mobility, and thermodynamic stability) performed at Invitae indicates that this missense variant is expected to disrupt SCN1A protein function with a positive predictive value of 95%. In summary, the available evidence is currently insufficient to determine the role of this variant in disease. Therefore, it has been classified as a Variant of Uncertain Significance.

NM_001165963.4(SCN1A):c.2479T>C (p.Tyr827His)

Gene: SCN1A (sodium voltage-gated channel alpha subunit 1; minus strand). Cytogenetic location: 2q24.3.
Variant type: single nucleotide variant.
Coding change: c.2479T>C on transcript NM_001165963.4 (MANE Select); coding-DNA position 2479, T replaced by C.
Protein change: p.Tyr827His; replaces tyrosine 827 with histidine.
Molecular consequence: missense variant. On other transcripts: non-coding transcript variant (1).
Genome position (GRCh38, 1-based): chr2:166,039,533, A>G on the plus strand (T>C on the coding strand, the complement: SCN1A is on the minus strand). VCF-style: chr2-166039533-A-G. GRCh37 (hg19) VCF-style: chr2-166896043-A-G.
Other names: c.2395T>C, p.Tyr799His (NM_001165964.3, NM_001353957.2, NM_001353958.2); c.2479T>C, p.Tyr827His (NM_001202435.3, NM_001353948.2); c.2446T>C, p.Tyr816His (NM_001353949.2, NM_006920.6, NM_001353950.2 and 2 more transcripts); c.2443T>C, p.Tyr815His (NM_001353954.2, NM_001353955.2); c.2392T>C, p.Tyr798His (NM_001353960.2); c.37T>C, p.Tyr13His (NM_001353961.2); short protein forms Y13H, Y798H, Y827H, Y816H, Y799H, Y815H.
Identifiers: ClinVar variation 3634047 (VCV003634047.2).
Genomic context (GRCh38, chr2:166,039,533, plus strand): 5'-GTTCTACCAGGCTAAGCGTCACAATAAAACCGTCAAAGATATTCCAGCCTTCTTGGAAAT[A>G]ATAGTAAGGATCCATGGCAATAATTTTCAGAAACATTTCTGCTGTAAAGATCCCAGTGAA-3'
Protein context (NP_001159435.1, residues 817-837): LKIIAMDPYY[Tyr827His]FQEGWNIFDG